The following is an entry in ClinVar:

NM_203446.3(SYNJ1):c.1369C>T (p.Arg457Cys)

Gene: SYNJ1 (synaptojanin 1; minus strand). Cytogenetic location: 21q22.11.
Variant type: single nucleotide variant.
Coding change: c.1369C>T on transcript NM_203446.3 (MANE Select); coding-DNA position 1369, C replaced by T.
Protein change: p.Arg457Cys; replaces arginine 457 with cysteine.
Molecular consequence: missense variant.
Genome position (GRCh38, 1-based): chr21:32,678,786, G>A on the plus strand (C>T on the coding strand, the complement: SYNJ1 is on the minus strand). VCF-style: chr21-32678786-G-A. GRCh37 (hg19) VCF-style: chr21-34051096-G-A.
Other names: c.1369C>T, p.Arg457Cys (NM_001160302.2); c.1378C>T, p.Arg460Cys (NM_001160306.2); c.1486C>T, p.Arg496Cys (NM_003895.4); short protein forms R496C, R457C, R460C.
Identifiers: ClinVar variation 1449955 (VCV001449955.6), dbSNP rs2041512386, ClinGen allele CA410089583.

ClinVar aggregate classification (germline): Uncertain significance (1 of 4 stars; one submission).

Conditions:
Developmental and epileptic encephalopathy, 53. Also called: Epileptic encephalopathy, early infantile, 53. Identifiers: MedGen C4479313, MONDO:0033362, OMIM 617389.
Early-onset Parkinson disease 20. Also called: PARKINSON DISEASE 20, AUTOSOMAL RECESSIVE EARLY-ONSET. Identifiers: Orphanet 391411, MedGen C3809824, MONDO:0014233, OMIM 615530.

Allele frequency attached by ClinVar (database versions not stated): TOPMed below 0.00001; gnomAD 0.00001; gnomAD exomes 0.00001.
gnomAD v4.1: 6 of 1,609,806 alleles (0.00037%); highest among the groups gnomAD compares: Non-Finnish European, 0.00051%; no homozygotes.

Submission:

Labcorp Genetics (formerly Invitae), Labcorp
Classification: Uncertain significance for Developmental and epileptic encephalopathy, 53; Early-onset Parkinson disease 20. Last evaluated: 2021-10-02. Review status: criteria provided, single submitter. Criteria: Invitae Variant Classification Sherloc (09022015). Collection method: clinical testing. Allele origin: germline.
Comment: In summary, the available evidence is currently insufficient to determine the role of this variant in disease. Therefore, it has been classified as a Variant of Uncertain Significance. Algorithms developed to predict the effect of missense changes on protein structure and function are either unavailable or do not agree on the potential impact of this missense change (SIFT: "Deleterious"; PolyPhen-2: "Probably Damaging"; Align-GVGD: "Class C0"). This variant has not been reported in the literature in individuals affected with SYNJ1-related conditions. This variant is not present in population databases (ExAC no frequency). This sequence change replaces arginine with cysteine at codon 496 of the SYNJ1 protein (p.Arg496Cys). The arginine residue is highly conserved and there is a large physicochemical difference between arginine and cysteine.